The following is an entry in ClinVar:

NM_000059.4(BRCA2):c.5994A>G (p.Gln1998=)

Gene: BRCA2 (BRCA2 DNA repair associated; plus strand). Cytogenetic location: 13q13.1.
Variant type: single nucleotide variant.
Coding change: c.5994A>G on transcript NM_000059.4 (MANE Select); coding-DNA position 5994, A replaced by G.
Protein change: p.Gln1998=; no amino-acid change (glutamine 1998 retained).
Molecular consequence: synonymous variant.
Genome position (GRCh38, 1-based): chr13:32,340,349, A>G. VCF-style: chr13-32340349-A-G. GRCh37 (hg19) VCF-style: chr13-32914486-A-G.
Identifiers: ClinVar variation 427458 (VCV000427458.19), dbSNP rs554663691, ClinGen allele CA6940923.

ClinVar aggregate classification (germline): Likely benign. Review status: reviewed by expert panel (3 of 4 stars). 6 submissions from 6 submitters: Likely benign (1). 5 of the submissions do not count toward it. Last evaluated 2017-06-29.

Conditions:
BRCA2-related cancer predisposition. Identifiers: MedGen CN377758, MONDO:0700269.
Hereditary cancer-predisposing syndrome. Also called: Hereditary neoplastic syndrome; Hereditary Cancer Syndrome; Neoplastic Syndromes, Hereditary; Tumor predisposition. Identifiers: Orphanet 140162, MedGen C0027672, MeSH D009386, MONDO:0015356.
Breast-ovarian cancer, familial, susceptibility to, 2 (BROVCA2). Also called: BRCA2 Hereditary Breast and Ovarian Cancer. Identifiers: Orphanet 145, MedGen C2675520, MONDO:0012933, OMIM 612555. Disease mechanism: loss of function.
Hereditary breast ovarian cancer syndrome. Also called: Hereditary breast and ovarian cancer syndrome; BRCA1- and BRCA2-Associated Hereditary Breast and Ovarian Cancer; Hereditary breast and/or ovarian cancer syndrome; Hereditary breast and ovarian cancer; Breast and ovarian cancer; Hereditary breast and ovarian cancer syndrome (HBOC). Identifiers: Orphanet 145, MedGen C0677776, MeSH D061325, MONDO:0003582. Disease mechanism: loss of function.

Allele frequency attached by ClinVar (database versions not stated): gnomAD exomes below 0.00001; ExAC 0.00001; gnomAD 0.00001; 1000 Genomes Project 30x 0.00016; 1000 Genomes Project 0.00020.
gnomAD v4.1: 2 of 1,614,022 alleles (0.00012%); highest among the groups gnomAD compares: African/African-American, 0.0027%; no homozygotes.

Submissions (6):

Evidence-based Network for the Interpretation of Germline Mutant Alleles (ENIGMA)
Classification: Likely benign for Breast-ovarian cancer, familial, susceptibility to, 2. Last evaluated: 2017-06-29. Review status: reviewed by expert panel. Criteria: ENIGMA BRCA1/2 Classification Criteria (2017-06-29). Collection method: curation. Allele origin: germline.
Comment: Synonymous substitution variant, with low bioinformatic likelihood to result in a splicing aberration (Splicing prior probability 0.02).

Labcorp Genetics (formerly Invitae), Labcorp
Classification: Likely benign for Hereditary breast ovarian cancer syndrome. Last evaluated: 2025-09-30. Review status: criteria provided, single submitter. Criteria: Invitae Variant Classification Sherloc (09022015). Collection method: clinical testing. Allele origin: germline. Not counted in ClinVar's aggregate classification.

All of Us Research Program, National Institutes of Health
Classification: Likely benign for BRCA2-related cancer predisposition. Last evaluated: 2024-04-25. Review status: criteria provided, single submitter. Criteria: ACMG Guidelines, 2015. Collection method: clinical testing. Allele origin: germline. Inheritance: Autosomal dominant inheritance. Observed: 1 variant allele, 1 heterozygote. Not counted in ClinVar's aggregate classification.
Comment: This study involves interpretation of variants in research participants for the purpose of population health screening. Participant phenotype was not available at the time of variant classification. Additional details can be found in publication PMID: 35346344, PMCID: PMC8962531

Sema4
Classification: Likely benign for Hereditary cancer-predisposing syndrome. Last evaluated: 2020-10-01. Review status: criteria provided, single submitter. Criteria: Sema4 Curation Guidelines. Collection method: curation. Allele origin: germline. Not counted in ClinVar's aggregate classification.

Quest Diagnostics Nichols Institute San Juan Capistrano
Classification: Likely benign. Last evaluated: 2019-11-15. Review status: criteria provided, single submitter. Criteria: Quest Diagnostics criteria. Collection method: clinical testing. Allele origin: unknown. Not counted in ClinVar's aggregate classification.

Ambry Genetics
Classification: Likely benign for Hereditary cancer-predisposing syndrome. Last evaluated: 2015-07-15. Review status: criteria provided, single submitter. Criteria: Ambry Variant Classification Scheme 2023. Collection method: clinical testing. Allele origin: germline. Not counted in ClinVar's aggregate classification.